The following is an entry in ClinVar:

NM_006397.3(RNASEH2A):c.439G>C (p.Glu147Gln)

Gene: RNASEH2A (ribonuclease H2 subunit A; plus strand). Cytogenetic location: 19p13.13.
Variant type: single nucleotide variant.
Coding change: c.439G>C on transcript NM_006397.3 (MANE Select); coding-DNA position 439, G replaced by C.
Protein change: p.Glu147Gln; replaces glutamic acid 147 with glutamine.
Molecular consequence: missense variant.
Genome position (GRCh38, 1-based): chr19:12,810,098, G>C. VCF-style: chr19-12810098-G-C. GRCh37 (hg19) VCF-style: chr19-12920912-G-C.
Other names: short protein forms E147Q.
Identifiers: ClinVar variation 664788 (VCV000664788.9), dbSNP rs769486587, ClinGen allele CA9231900.

ClinVar aggregate classification (germline): Uncertain significance. Review status: criteria provided, multiple submitters, no conflicts (2 of 4 stars). 2 submissions from 2 submitters: Uncertain significance (2). Last evaluated 2024-11-20.

Conditions:
Inborn genetic diseases. Identifiers: MedGen C0950123, MeSH D030342.
Aicardi-Goutieres syndrome 4. Identifiers: Orphanet 51, MedGen C1835912, MONDO:0012472, OMIM 610333.

Allele frequency attached by ClinVar (database versions not stated): gnomAD exomes 0.00001; TOPMed 0.00001; ExAC 0.00002.
gnomAD v4.1: 9 of 1,614,206 alleles (0.00056%); highest among the groups gnomAD compares: South Asian, 0.0088%; no homozygotes.

Submissions (2):

Ambry Genetics
Classification: Uncertain significance for Inborn genetic diseases. Last evaluated: 2024-11-20. Review status: criteria provided, single submitter. Criteria: Ambry Variant Classification Scheme 2023. Collection method: clinical testing. Allele origin: germline.

Labcorp Genetics (formerly Invitae), Labcorp
Classification: Uncertain significance for Aicardi-Goutieres syndrome 4. Last evaluated: 2018-12-14. Review status: criteria provided, single submitter. Criteria: Invitae Variant Classification Sherloc (09022015). Collection method: clinical testing. Allele origin: germline.
Comment: In summary, the available evidence is currently insufficient to determine the role of this variant in disease. Therefore, it has been classified as a Variant of Uncertain Significance. Algorithms developed to predict the effect of missense changes on protein structure and function (SIFT, PolyPhen-2, Align-GVGD) all suggest that this variant is likely to be tolerated, but these predictions have not been confirmed by published functional studies and their clinical significance is uncertain. This variant has not been reported in the literature in individuals with RNASEH2A-related conditions. This variant is present in population databases (rs769486587, ExAC 0.01%). This sequence change replaces glutamic acid with glutamine at codon 147 of the RNASEH2A protein (p.Glu147Gln). The glutamic acid residue is highly conserved and there is a small physicochemical difference between glutamic acid and glutamine.